The following is an entry in ClinVar:

NM_015100.4(POGZ):c.2571-2_2576del

Gene: POGZ (pogo transposable element derived with ZNF domain; minus strand). Cytogenetic location: 1q21.3.
Variant type: Deletion.
Coding change: c.2571-2_2576del on transcript NM_015100.4 (MANE Select); the canonical splice acceptor site of the intron before coding-DNA position 2571 through coding-DNA position 2576, 8 bases deleted (AGGCATGG; older notation c.2571-2_2576delAGGCATGG).
Molecular consequence: splice acceptor variant.
Genome position (GRCh38, 1-based): chr1:151,406,459-151,406,466, CCATGCCT deleted on the plus strand (AGGCATGG on the coding strand, the reverse complement: POGZ is on the minus strand). VCF-style (leftmost placement, unchanged base first): chr1-151406458-GCCATGCCT-G. GRCh37 (hg19) VCF-style: chr1-151378934-GCCATGCCT-G.
Other names: c.2385-2_2390del (NM_001194938.2); c.2286-2_2291del (NM_145796.4); c.2544-2_2549del (NM_001194937.2); c.2412-2_2417del (NM_207171.2).
Identifiers: ClinVar variation 842730 (VCV000842730.10), dbSNP rs1653645674, ClinGen allele CA916082084.

ClinVar aggregate classification (germline): Uncertain significance (1 of 4 stars; one submission).

Submission:

Labcorp Genetics (formerly Invitae), Labcorp
Classification: Uncertain significance. Last evaluated: 2023-05-04. Review status: criteria provided, single submitter. Criteria: Invitae Variant Classification Sherloc (09022015). Collection method: clinical testing. Allele origin: germline.
Comment: In summary, the available evidence is currently insufficient to determine the role of this variant in disease. Therefore, it has been classified as a Variant of Uncertain Significance. Variants that disrupt the consensus splice site are a relatively common cause of aberrant splicing (PMID: 17576681, 9536098). Algorithms developed to predict the effect of sequence changes on RNA splicing suggest that this variant may disrupt the consensus splice site. ClinVar contains an entry for this variant (Variation ID: 842730). This variant has not been reported in the literature in individuals affected with POGZ-related conditions. This variant is not present in population databases (gnomAD no frequency). This variant results in the deletion of part of exon 19 of the POGZ gene. While this variant is not anticipated to result in nonsense mediated decay, it likely alters RNA splicing and results in a disrupted protein product.

Literature cited by the submitters: PubMed 17576681; PubMed 9536098.